The following is an entry in ClinVar:

ClinVar aggregate classification (germline): Benign (1 of 4 stars; one submission).

Allele frequency attached by ClinVar (database versions not stated): gnomAD 0.01988 and 0.02120; 1000 Genomes Project 0.02097; 1000 Genomes Project 30x 0.02108; TOPMed 0.02214.

Submission:

GeneDx
Classification: Benign. Last evaluated: 2018-06-14. Review status: criteria provided, single submitter. Criteria: GeneDx Variant Classification (06012015). Collection method: clinical testing. Allele origin: germline. Affected: yes.
Comment: This variant is considered likely benign or benign based on one or more of the following criteria: it is a conservative change, it occurs at a poorly conserved position in the protein, it is predicted to be benign by multiple in silico algorithms, and/or has population frequency not consistent with disease.

NM_001199107.2(TBC1D24):c.1302+158T>C

Gene: TBC1D24 (TBC1 domain family member 24; plus strand). Cytogenetic location: 16p13.3.
Variant type: single nucleotide variant.
Coding change: c.1302+158T>C on transcript NM_001199107.2 (MANE Select); 158 bases into the intron after coding-DNA position 1302, T replaced by C.
Molecular consequence: intron variant.
Genome position (GRCh38, 1-based): chr16:2,500,088, T>C. VCF-style: chr16-2500088-T-C. GRCh37 (hg19) VCF-style: chr16-2550089-T-C.
Other names: c.1284+158T>C (NM_020705.3).
Identifiers: ClinVar variation 677406 (VCV000677406.1), dbSNP rs9931326, ClinGen allele CA276809982.
Genomic context (GRCh38, chr16:2,500,088, plus strand): 5'-CATGGCAGTCACCCAGCAGCGTCATCGCCCTGTGTGCTTCCGGGTTTGATCATTCAGCCG[T>C]GCGCTGCTCCGGGGCAGGGGGCTTCATCTGCTCGAGCCACCAGCTCCCCAGCCCCTGGCT-3'